The following is an entry in ClinVar:

ClinVar aggregate classification (germline): Uncertain significance (1 of 4 stars; one submission).

Allele frequency attached by ClinVar (database versions not stated): ExAC 0.00001; TOPMed 0.00002.
gnomAD v4.1: 10 of 1,613,570 alleles (0.00062%); highest among the groups gnomAD compares: Non-Finnish European, 0.00085%; no homozygotes.

Submission:

Labcorp Genetics (formerly Invitae), Labcorp
Classification: Uncertain significance. Last evaluated: 2025-10-27. Review status: criteria provided, single submitter. Criteria: Invitae Variant Classification Sherloc (09022015). Collection method: clinical testing. Allele origin: germline.
Comment: This sequence change replaces serine, which is neutral and polar, with cysteine, which is neutral and slightly polar, at codon 346 of the TNNI3K protein (p.Ser346Cys). This variant is present in population databases (rs778596060, gnomAD 0.0009%). This variant has not been reported in the literature in individuals affected with TNNI3K-related conditions. ClinVar contains an entry for this variant (Variation ID: 1917728). Invitae Evidence Modeling of protein sequence and biophysical properties (such as structural, functional, and spatial information, amino acid conservation, physicochemical variation, residue mobility, and thermodynamic stability) indicates that this missense variant is not expected to disrupt TNNI3K protein function with a negative predictive value of 80%. In summary, the available evidence is currently insufficient to determine the role of this variant in disease. Therefore, it has been classified as a Variant of Uncertain Significance.

NM_015978.3(TNNI3K):c.1037C>G (p.Ser346Cys)

Genes: FPGT-TNNI3K (FPGT-TNNI3K readthrough; plus strand), TNNI3K (TNNI3 interacting kinase; plus strand). Cytogenetic location: 1p31.1.
Variant type: single nucleotide variant.
Coding change: c.1037C>G on transcript NM_015978.3 (MANE Select); coding-DNA position 1037, C replaced by G.
Protein change: p.Ser346Cys; replaces serine 346 with cysteine.
Molecular consequence: missense variant.
Genome position (GRCh38, 1-based): chr1:74,353,989, C>G. VCF-style: chr1-74353989-C-G. GRCh37 (hg19) VCF-style: chr1-74819673-C-G.
Other names: c.1340C>G, p.Ser447Cys (NM_001112808.3, NM_001199327.2); short protein forms S346C, S447C.
Identifiers: ClinVar variation 1917728 (VCV001917728.5), dbSNP rs778596060, ClinGen allele CA909134.